The following is an entry in ClinVar:

NM_001330288.2(SMARCC2):c.1926+1G>A

Gene: SMARCC2 (SWI/SNF related BAF chromatin remodeling complex subunit C2; minus strand). Cytogenetic location: 12q13.2.
Variant type: single nucleotide variant.
Coding change: c.1926+1G>A on transcript NM_001330288.2 (MANE Select); the canonical splice donor site of the intron after coding-DNA position 1926, G replaced by A.
Molecular consequence: splice donor variant.
Genome position (GRCh38, 1-based): chr12:56,172,427, C>T on the plus strand (G>A on the coding strand, the complement: SMARCC2 is on the minus strand). VCF-style: chr12-56172427-C-T. GRCh37 (hg19) VCF-style: chr12-56566211-C-T.
Other names: c.1833+1G>A (NM_003075.5); c.1926+1G>A (NM_139067.4, NM_001130420.3).
Identifiers: ClinVar variation 931991 (VCV000931991.5), dbSNP rs1555221275, ClinGen allele CA385344744.

ClinVar aggregate classification (germline): Pathogenic/Likely pathogenic. Review status: criteria provided, multiple submitters, no conflicts (2 of 4 stars). 3 submissions from 3 submitters: Pathogenic (2); Likely pathogenic (1). Last evaluated 2025-03-06.

Conditions:
SMARCC2-related disorder. Also called: SMARCC2-related condition.
Coffin-Siris syndrome 8. Identifiers: MedGen C5193054, MONDO:0032702, OMIM 618362.

Submissions (3):

GeneDx
Classification: Pathogenic. Last evaluated: 2025-03-06. Review status: criteria provided, single submitter. Criteria: GeneDx Variant Classification Process June 2021. Collection method: clinical testing. Allele origin: germline. Affected: yes.
Comment: Canonical splice site variant predicted to result in an in-frame loss of the adjacent exon in a gene for which loss of function is a known mechanism of disease; Not observed in large population cohorts (gnomAD); This variant is associated with the following publications: (PMID: 38927725)

Blueprint Genetics
Classification: Likely pathogenic for SMARCC2-related disorders. Last evaluated: 2023-05-29. Review status: criteria provided, single submitter. Criteria: ACMG Guidelines, 2015. Collection method: clinical testing. Allele origin: de novo. Affected: yes. Observed: 1 variant allele.

Centre for Mendelian Genomics, University Medical Centre Ljubljana
Classification: Pathogenic for Coffin-Siris syndrome 8. Last evaluated: 2019-08-12. Review status: criteria provided, single submitter. Criteria: ACMG Guidelines, 2015. Collection method: clinical testing. Allele origin: unknown. Affected: yes.
Comment: This variant was classified as: Pathogenic. The following ACMG criteria were applied in classifying this variant: PVS1,PS2,PM2.